The following is an entry in ClinVar:

NM_001013838.3(CARMIL2):c.3477C>A (p.Asp1159Glu)

Gene: CARMIL2 (capping protein regulator and myosin 1 linker 2; plus strand). Cytogenetic location: 16q22.1.
Variant type: single nucleotide variant.
Coding change: c.3477C>A on transcript NM_001013838.3 (MANE Select); coding-DNA position 3477, C replaced by A.
Protein change: p.Asp1159Glu; replaces aspartic acid 1159 with glutamic acid.
Molecular consequence: missense variant.
Genome position (GRCh38, 1-based): chr16:67,654,587, C>A. VCF-style: chr16-67654587-C-A. GRCh37 (hg19) VCF-style: chr16-67688490-C-A.
Other names: c.3369C>A, p.Asp1123Glu (NM_001317026.3); short protein forms D1123E, D1159E.
Identifiers: ClinVar variation 2630002 (VCV002630002.4), dbSNP rs1032266607, ClinGen allele CA283212759.
Genomic context (GRCh38, chr16:67,654,587, plus strand): 5'-AACCCGTCCCAGCCGTGGTGAGGAGCTTGGTGGGGCTGAGGGGGACACCAGCAGCCCTGA[C>A]CCTGCCGGCAGGAGCCGACCTCGCTACACAAGAGATAGCAAGGCCTACTCGATGATACTG-3'
Protein context (NP_001013860.1, residues 1149-1169): GGAEGDTSSP[Asp1159Glu]PAGRSRPRYT

ClinVar aggregate classification (germline): Uncertain significance. Review status: criteria provided, multiple submitters, no conflicts (2 of 4 stars). 2 submissions from 2 submitters: Uncertain significance (2). Last evaluated 2025-10-12.

Conditions:
CARMIL2-related disorder. Also called: CARMIL2-related condition.

Allele frequency attached by ClinVar (database versions not stated): gnomAD exomes 0.00001; gnomAD 0.00002; TOPMed 0.00004.
gnomAD v4.1: 9 of 1,608,656 alleles (0.00056%); highest among the groups gnomAD compares: African/African-American, 0.011%; no homozygotes.

Submissions (2):

Labcorp Genetics (formerly Invitae), Labcorp
Classification: Uncertain significance. Last evaluated: 2025-10-12. Review status: criteria provided, single submitter. Criteria: Invitae Variant Classification Sherloc (09022015). Collection method: clinical testing. Allele origin: germline.
Comment: This sequence change replaces aspartic acid, which is acidic and polar, with glutamic acid, which is acidic and polar, at codon 1159 of the CARMIL2 protein (p.Asp1159Glu). The frequency data for this variant in the population databases is considered unreliable, as metrics indicate poor data quality at this position in the gnomAD database. This variant has not been reported in the literature in individuals affected with CARMIL2-related conditions. ClinVar contains an entry for this variant (Variation ID: 2630002). Invitae Evidence Modeling of protein sequence and biophysical properties (such as structural, functional, and spatial information, amino acid conservation, physicochemical variation, residue mobility, and thermodynamic stability) indicates that this missense variant is not expected to disrupt CARMIL2 protein function with a negative predictive value of 80%. In summary, the available evidence is currently insufficient to determine the role of this variant in disease. Therefore, it has been classified as a Variant of Uncertain Significance.

PreventionGenetics, part of Exact Sciences
Classification: Uncertain significance for CARMIL2-related condition. Last evaluated: 2022-12-27. Review status: criteria provided, single submitter. Criteria: ACMG Guidelines, 2015. Collection method: clinical testing. Allele origin: germline.
Comment: The CARMIL2 c.3477C>A variant is predicted to result in the amino acid substitution p.Asp1159Glu. To our knowledge, this variant has not been reported in the literature. This variant is reported in 0.014% of alleles in individuals of African descent in gnomAD. At this time, the clinical significance of this variant is uncertain due to the absence of conclusive functional and genetic evidence.